The following is an entry in ClinVar:

NM_014938.6(MLXIP):c.106G>T (p.Asp36Tyr)

Genes: MLXIP (MLX interacting protein; plus strand), LOC130009029 (ATAC-STARR-seq lymphoblastoid silent region 5009; plus strand). Cytogenetic location: 12q24.31.
Variant type: single nucleotide variant.
Coding change: c.106G>T on transcript NM_014938.6 (MANE Select); coding-DNA position 106, G replaced by T.
Protein change: p.Asp36Tyr; replaces aspartic acid 36 with tyrosine.
Molecular consequence: missense variant.
Genome position (GRCh38, 1-based): chr12:122,078,959, G>T. VCF-style: chr12-122078959-G-T. GRCh37 (hg19) VCF-style: chr12-122516865-G-T.
Other names: short protein forms D36Y.
Identifiers: ClinVar variation 2267580 (VCV002267580.2), dbSNP rs2546982588, ClinGen allele CA387011972.

ClinVar aggregate classification (germline): Uncertain significance (1 of 4 stars; one submission).

Submission:

Ambry Genetics
Classification: Uncertain significance. Last evaluated: 2021-12-16. Review status: criteria provided, single submitter. Criteria: Ambry Variant Classification Scheme 2023. Collection method: clinical testing. Allele origin: germline.
Comment: The c.106G>T (p.D36Y) alteration is located in exon (coding exon ) of the MLXIP gene. This alteration results from a G to T substitution at nucleotide position 106, causing the aspartic acid (D) at amino acid position 36 to be replaced by a tyrosine (Y). Based on insufficient or conflicting evidence, the clinical significance of this alteration remains unclear.